The following is an entry in ClinVar:

ClinVar aggregate classification (germline): Pathogenic/Likely pathogenic. Review status: criteria provided, multiple submitters, no conflicts (2 of 4 stars). 2 submissions from 2 submitters: Pathogenic (1); Likely pathogenic (1). Last evaluated 2022-10-12.

Conditions:
Diabetes insipidus, nephrogenic, X-linked. Also called: Nephrogenic Diabetes Insipidus, Type I. Identifiers: Orphanet 223, MedGen C1563705, MONDO:0010581, OMIM 304800.

Submissions (2):

Labcorp Genetics (formerly Invitae), Labcorp
Classification: Pathogenic. Last evaluated: 2022-10-12. Review status: criteria provided, single submitter. Criteria: Invitae Variant Classification Sherloc (09022015). Collection method: clinical testing. Allele origin: germline.
Comment: For these reasons, this variant has been classified as Pathogenic. Algorithms developed to predict the effect of missense changes on protein structure and function (SIFT, PolyPhen-2, Align-GVGD) all suggest that this variant is likely to be disruptive. ClinVar contains an entry for this variant (Variation ID: 975078). This missense change has been observed in individuals with diabetes insipidus (PMID: 29594432, 32939031; Invitae). This variant is not present in population databases (gnomAD no frequency). This sequence change replaces serine, which is neutral and polar, with arginine, which is basic and polar, at codon 171 of the AVPR2 protein (p.Ser171Arg).

Victorian Clinical Genetics Services, Murdoch Childrens Research Institute
Classification: Likely pathogenic for Diabetes insipidus, nephrogenic, X-linked. Last evaluated: 2018-11-14. Review status: criteria provided, single submitter. Criteria: ACMG Guidelines, 2015. Collection method: clinical testing. Allele origin: unknown. Affected: yes.
Comment: A hemizygous missense variant, NM_000054.5(AVPR2):c.513C>G, has been identified in exon 2 of 3 of the AVPR2 gene. The variant is predicted to result in a major amino acid change from serine to arginine at position 171 of the protein (NP_000045.1(AVPR2):p.(Ser171Arg)). The serine residue at this position has high conservation (100 vertebrates, UCSC), and is located within the transmembrane helix 4 region. In silico predictions for this variant are consistently pathogenic (Polyphen, SIFT, CADD, Mutation Taster). The variant is absent in the gnomAD population database, but the same amino acid change has previously been reported in one individual with congenital nephrogenic diabetes insipidus (Joshi S. et al. 2018). Based on the information available at the time of curation, this variant has been classified as LIKELY PATHOGENIC.

Literature cited by the submitters: PubMed 29594432 (cited by Labcorp Genetics (formerly Invitae), Labcorp); PubMed 32939031 (cited by Labcorp Genetics (formerly Invitae), Labcorp).

NM_000054.7(AVPR2):c.513C>G (p.Ser171Arg)

Gene: AVPR2 (arginine vasopressin receptor 2; plus strand). Cytogenetic location: Xq28.
Variant type: single nucleotide variant.
Coding change: c.513C>G on transcript NM_000054.7 (MANE Select); coding-DNA position 513, C replaced by G.
Protein change: p.Ser171Arg; replaces serine 171 with arginine.
Molecular consequence: missense variant. On other transcripts: non-coding transcript variant (1).
Genome position (GRCh38, 1-based): chrX:153,906,019, C>G. VCF-style: chrX-153906019-C-G. GRCh37 (hg19) VCF-style: chrX-153171473-C-G.
Other names: c.513C>G, p.Ser171Arg (NM_001146151.3); short protein forms S171R.
Identifiers: ClinVar variation 975078 (VCV000975078.8), dbSNP rs782601647, ClinGen allele CA415106741.